The following is an entry in ClinVar:

NM_004655.4(AXIN2):c.1373G>A (p.Gly458Asp)

Gene: AXIN2 (axin 2; minus strand). Cytogenetic location: 17q24.1.
Variant type: single nucleotide variant.
Coding change: c.1373G>A on transcript NM_004655.4 (MANE Select); coding-DNA position 1373, G replaced by A.
Protein change: p.Gly458Asp; replaces glycine 458 with aspartic acid.
Molecular consequence: missense variant.
Genome position (GRCh38, 1-based): chr17:65,537,663, C>T on the plus strand (G>A on the coding strand, the complement: AXIN2 is on the minus strand). VCF-style: chr17-65537663-C-T. GRCh37 (hg19) VCF-style: chr17-63533781-C-T.
Other names: c.1373G>A, p.Gly458Asp (NM_001363813.1); short protein forms G458D.
Identifiers: ClinVar variation 1514228 (VCV001514228.9), dbSNP rs1233713623, ClinGen allele CA400677627.
Genomic context (GRCh38, chr17:65,537,663, plus strand): 5'-TGGTACTGCGAATGGTGGTGGTGGTGGTGGTCCGGGGAGCGGGAGCGGGGGCTATAGCGG[C>T]CTACGCCTGGAGACTGGCAGCCAGGGGTCTTGAGGACCCTGGACAGGTGATCGTCCAGTA-3'
Protein context (NP_004646.3, residues 448-468): KTPGCQSPGV[Gly458Asp]RYSPRSRSPD

ClinVar aggregate classification (germline): Uncertain significance. Review status: criteria provided, multiple submitters, no conflicts (2 of 4 stars). 2 submissions from 2 submitters: Uncertain significance (2). Last evaluated 2024-12-10.

Conditions:
Hereditary cancer-predisposing syndrome. Also called: Tumor predisposition; Neoplastic Syndromes, Hereditary; Hereditary neoplastic syndrome; Hereditary Cancer Syndrome. Identifiers: Orphanet 140162, MedGen C0027672, MeSH D009386, MONDO:0015356.
Oligodontia-cancer predisposition syndrome. Also called: TOOTH AGENESIS-COLORECTAL CANCER SYNDROME. Identifiers: Orphanet 300576, MedGen C1837750, MONDO:0012075, OMIM 608615. Disease mechanism: loss of function.

Allele frequency attached by ClinVar (database versions not stated): TOPMed below 0.00001.

Submissions (2):

Ambry Genetics
Classification: Uncertain significance for Hereditary cancer-predisposing syndrome. Last evaluated: 2024-12-10. Review status: criteria provided, single submitter. Criteria: Ambry Variant Classification Scheme 2023. Collection method: clinical testing. Allele origin: germline.
Comment: The p.G458D variant (also known as c.1373G>A), located in coding exon 5 of the AXIN2 gene, results from a G to A substitution at nucleotide position 1373. The glycine at codon 458 is replaced by aspartic acid, an amino acid with similar properties. This amino acid position is well conserved in available vertebrate species. In addition, this alteration is predicted to be tolerated by in silico analysis. Based on the available evidence, the clinical significance of this variant remains unclear.

Labcorp Genetics (formerly Invitae), Labcorp
Classification: Uncertain significance for Oligodontia-cancer predisposition syndrome. Last evaluated: 2024-08-20. Review status: criteria provided, single submitter. Criteria: Invitae Variant Classification Sherloc (09022015). Collection method: clinical testing. Allele origin: germline.
Comment: This sequence change replaces glycine, which is neutral and non-polar, with aspartic acid, which is acidic and polar, at codon 458 of the AXIN2 protein (p.Gly458Asp). This variant is not present in population databases (gnomAD no frequency). This variant has not been reported in the literature in individuals affected with AXIN2-related conditions. ClinVar contains an entry for this variant (Variation ID: 1514228). An algorithm developed to predict the effect of missense changes on protein structure and function (PolyPhen-2) suggests that this variant is likely to be tolerated. In summary, the available evidence is currently insufficient to determine the role of this variant in disease. Therefore, it has been classified as a Variant of Uncertain Significance.